The following is an entry in ClinVar:

ClinVar aggregate classification (germline): Likely benign. Review status: criteria provided, multiple submitters, no conflicts (2 of 4 stars). 2 submissions from 2 submitters: Likely benign (2). Last evaluated 2025-11-01.

Allele frequency attached by ClinVar (database versions not stated): ExAC 0.00005; gnomAD exomes 0.00005; gnomAD 0.00007; ESP Exome Variant Server 0.00008; TOPMed 0.00009; 1000 Genomes Project 30x 0.00016; 1000 Genomes Project 0.00020.
gnomAD v4.1: 96 of 1,613,838 alleles (0.0059%); highest among the groups gnomAD compares: Middle Eastern, 0.033%; no homozygotes.

Submissions (2):

CeGaT Center for Human Genetics Tuebingen
Classification: Likely benign. Last evaluated: 2025-11-01. Review status: criteria provided, single submitter. Criteria: CeGaT Center For Human Genetics Tuebingen Variant Classification Criteria Version 2. Collection method: clinical testing. Allele origin: germline. Affected: yes. Observed: 1 variant allele.
Comment: MFSD2A: BP4, BP7

Labcorp Genetics (formerly Invitae), Labcorp
Classification: Likely benign. Last evaluated: 2025-06-02. Review status: criteria provided, single submitter. Criteria: Invitae Variant Classification Sherloc (09022015). Collection method: clinical testing. Allele origin: germline.

NM_032793.5(MFSD2A):c.873C>T (p.His291=)

Gene: MFSD2A (MFSD2 lysolipid transporter A, lysophospholipid; plus strand). Cytogenetic location: 1p34.2.
Variant type: single nucleotide variant.
Coding change: c.873C>T on transcript NM_032793.5 (MANE Select); coding-DNA position 873, C replaced by T.
Protein change: p.His291=; no amino-acid change (histidine 291 retained).
Molecular consequence: synonymous variant. On other transcripts: non-coding transcript variant (1).
Genome position (GRCh38, 1-based): chr1:39,966,878, C>T. VCF-style: chr1-39966878-C-T. GRCh37 (hg19) VCF-style: chr1-40432550-C-T.
Other names: c.912C>T, p.His304= (NM_001136493.3); c.405C>T, p.His135= (NM_001287808.2); c.756C>T, p.His252= (NM_001287809.2); c.867C>T, p.His289= (NM_001349821.2); c.873C>T, p.His291= (NM_001349822.2); c.528C>T, p.His176= (NM_001349823.2).
Identifiers: ClinVar variation 1606085 (VCV001606085.14), dbSNP rs201251882, ClinGen allele CA788817.